The following is an entry in ClinVar:

ClinVar aggregate classification (germline): Uncertain significance. Review status: criteria provided, multiple submitters, no conflicts (2 of 4 stars). 2 submissions from 2 submitters: Uncertain significance (2). Last evaluated 2022-06-27.

Allele frequency attached by ClinVar (database versions not stated): gnomAD exomes below 0.00001 and 0.00001; gnomAD 0.00003 and 0.00004; TOPMed 0.00003.

Submissions (2):

Labcorp Genetics (formerly Invitae), Labcorp
Classification: Uncertain significance. Last evaluated: 2022-06-27. Review status: criteria provided, single submitter. Criteria: Invitae Variant Classification Sherloc (09022015). Collection method: clinical testing. Allele origin: germline.
Comment: This sequence change replaces serine, which is neutral and polar, with phenylalanine, which is neutral and non-polar, at codon 79 of the TIMM50 protein (p.Ser79Phe). This variant is present in population databases (no rsID available, gnomAD 0.003%). This variant has not been reported in the literature in individuals affected with TIMM50-related conditions. Algorithms developed to predict the effect of missense changes on protein structure and function are either unavailable or do not agree on the potential impact of this missense change (SIFT: "Not Available"; PolyPhen-2: "Benign"; Align-GVGD: "Not Available"). In summary, the available evidence is currently insufficient to determine the role of this variant in disease. Therefore, it has been classified as a Variant of Uncertain Significance.

CeGaT Center for Human Genetics Tuebingen
Classification: Uncertain significance. Last evaluated: 2022-05-01. Review status: criteria provided, single submitter. Criteria: CeGaT Center For Human Genetics Tuebingen Variant Classification Criteria Version 2. Collection method: clinical testing. Allele origin: germline. Affected: yes. Observed: 1 variant allele.
Comment: TIMM50: PM2, BP4

NC_000019.10:g.39480780C>T

Gene: TIMM50 (translocase of inner mitochondrial membrane 50; plus strand). Cytogenetic location: 19q13.2.
Variant type: single nucleotide variant.
Genome position: GRCh38 VCF-style: chr19-39480780-C-T. GRCh37 (hg19) VCF-style: chr19-39971420-C-T.
Identifiers: ClinVar variation 1461189 (VCV001461189.30), dbSNP rs908072329, ClinGen allele CA308236889.